The following is an entry in ClinVar:

NM_001127208.3(TET2):c.2717T>G (p.Met906Arg)

Genes: TET2 (tet methylcytosine dioxygenase 2; plus strand), TET2-AS1 (TET2 antisense RNA 1; minus strand). Cytogenetic location: 4q24.
Variant type: single nucleotide variant.
Coding change: c.2717T>G on transcript NM_001127208.3 (MANE Select); coding-DNA position 2717, T replaced by G.
Protein change: p.Met906Arg; replaces methionine 906 with arginine.
Molecular consequence: missense variant.
Genome position (GRCh38, 1-based): chr4:105,236,659, T>G. VCF-style: chr4-105236659-T-G. GRCh37 (hg19) VCF-style: chr4-106157816-T-G.
Other names: c.2717T>G, p.Met906Arg (NM_017628.4); short protein forms M906R.
Identifiers: ClinVar variation 1907664 (VCV001907664.6), dbSNP rs778285933, ClinGen allele CA357800107.

ClinVar aggregate classification (germline): Uncertain significance. Review status: criteria provided, multiple submitters, no conflicts (2 of 4 stars). 2 submissions from 2 submitters: Uncertain significance (2). Last evaluated 2025-03-08.

gnomAD v4.1: 1 of 1,613,968 alleles (0.000062%); highest among the groups gnomAD compares: African/African-American, 0.0013%; no homozygotes.

Submissions (2):

Ambry Genetics
Classification: Uncertain significance. Last evaluated: 2025-03-08. Review status: criteria provided, single submitter. Criteria: Ambry Variant Classification Scheme 2023. Collection method: clinical testing. Allele origin: germline.
Comment: The p.M906R variant (also known as c.2717T>G), located in coding exon 1 of the TET2 gene, results from a T to G substitution at nucleotide position 2717. The methionine at codon 906 is replaced by arginine, an amino acid with similar properties. This amino acid position is conserved. In addition, this alteration is predicted to be tolerated by in silico analysis. Based on the available evidence, the clinical significance of this variant remains unclear.

Labcorp Genetics (formerly Invitae), Labcorp
Classification: Uncertain significance. Last evaluated: 2022-03-16. Review status: criteria provided, single submitter. Criteria: Invitae Variant Classification Sherloc (09022015). Collection method: clinical testing. Allele origin: germline.
Comment: This variant is present in population databases (no rsID available, gnomAD 0.01%). This sequence change replaces methionine, which is neutral and non-polar, with arginine, which is basic and polar, at codon 906 of the TET2 protein (p.Met906Arg). This variant has not been reported in the literature in individuals affected with TET2-related conditions. In summary, the available evidence is currently insufficient to determine the role of this variant in disease. Therefore, it has been classified as a Variant of Uncertain Significance. Algorithms developed to predict the effect of missense changes on protein structure and function (SIFT, PolyPhen-2, Align-GVGD) all suggest that this variant is likely to be tolerated.